The following is an entry in ClinVar:

ClinVar aggregate classification (germline): Likely benign. Review status: criteria provided, multiple submitters, no conflicts (2 of 4 stars). 3 submissions from 3 submitters: Likely benign (2). 1 of the submissions does not count toward it. Last evaluated 2026-01-10.

Conditions:
TFRC-related disorder. Also called: TFRC-related condition.

Allele frequency attached by ClinVar (database versions not stated): gnomAD exomes 0.00014; ExAC 0.00016; ESP Exome Variant Server 0.00031; 1000 Genomes Project 30x 0.00078; 1000 Genomes Project 0.00100.

Submissions (3):

Labcorp Genetics (formerly Invitae), Labcorp
Classification: Likely benign. Last evaluated: 2026-01-10. Review status: criteria provided, single submitter. Criteria: Invitae Variant Classification Sherloc (09022015). Collection method: clinical testing. Allele origin: germline.

Blueprint Genetics
Classification: Likely benign. Last evaluated: 2024-09-02. Review status: criteria provided, single submitter. Criteria: ACMG Guidelines, 2015. Collection method: clinical testing. Allele origin: germline.

PreventionGenetics, part of Exact Sciences
Classification: Likely benign for TFRC-related condition. Last evaluated: 2024-02-26. Review status: no assertion criteria provided. Collection method: clinical testing. Allele origin: germline. Not counted in ClinVar's aggregate classification.
Comment: This variant is classified as likely benign based on ACMG/AMP sequence variant interpretation guidelines (Richards et al. 2015 PMID: 25741868, with internal and published modifications).

NM_001128148.3(TFRC):c.1257C>T (p.Ser419=)

Gene: TFRC (transferrin receptor; minus strand). Cytogenetic location: 3q29.
Variant type: single nucleotide variant.
Coding change: c.1257C>T on transcript NM_001128148.3 (MANE Select); coding-DNA position 1257, C replaced by T.
Protein change: p.Ser419=; no amino-acid change (serine 419 retained).
Molecular consequence: synonymous variant.
Genome position (GRCh38, 1-based): chr3:196,064,370, G>A on the plus strand (C>T on the coding strand, the complement: TFRC is on the minus strand). VCF-style: chr3-196064370-G-A. GRCh37 (hg19) VCF-style: chr3-195791241-G-A.
Other names: c.1257C>T (NM_003234.3); c.1014C>T, p.Ser338= (NM_001313965.2); c.411C>T, p.Ser137= (NM_001313966.2); c.1257C>T, p.Ser419= (NM_003234.4).
Identifiers: ClinVar variation 1126875 (VCV001126875.10), dbSNP rs142218775, ClinGen allele CA2777982.